The following is an entry in ClinVar:

ClinVar aggregate classification (germline): Uncertain significance. Review status: criteria provided, multiple submitters, no conflicts (2 of 4 stars). 3 submissions from 3 submitters: Uncertain significance (3). Last evaluated 2025-12-01.

Conditions:
Hereditary cancer-predisposing syndrome. Also called: Neoplastic Syndromes, Hereditary; Tumor predisposition; Hereditary neoplastic syndrome; Hereditary Cancer Syndrome. Identifiers: Orphanet 140162, MedGen C0027672, MeSH D009386, MONDO:0015356.
Lynch syndrome. Identifiers: Orphanet 144, MedGen C4552100, MONDO:0005835. Disease mechanism: loss of function.
Hereditary nonpolyposis colorectal neoplasms. Identifiers: MedGen C0009405, MeSH D003123.

Submissions (3):

Ambry Genetics
Classification: Uncertain significance for Hereditary cancer-predisposing syndrome. Last evaluated: 2025-12-01. Review status: criteria provided, single submitter. Criteria: Ambry Variant Classification Scheme 2023. Collection method: clinical testing. Allele origin: germline.
Comment: The p.T1205K variant (also known as c.3614C>A), located in coding exon 7 of the MSH6 gene, results from a C to A substitution at nucleotide position 3614. The threonine at codon 1205 is replaced by lysine, an amino acid with similar properties. This amino acid position is highly conserved in available vertebrate species. In addition, this alteration is predicted to be deleterious by in silico analysis. Based on the available evidence, the clinical significance of this variant remains unclear.

All of Us Research Program, National Institutes of Health
Classification: Uncertain significance for Lynch syndrome. Last evaluated: 2024-05-30. Review status: criteria provided, single submitter. Criteria: ACMG Guidelines, 2015. Collection method: clinical testing. Allele origin: germline. Inheritance: Autosomal dominant inheritance. Observed: 1 variant allele, 1 heterozygote.
Comment: This missense variant replaces threonine with lysine at codon 1205 of the MSH6 protein. Computational prediction suggests that this variant may have deleterious impact on protein structure and function (internally defined REVEL score threshold >= 0.7, PMID: 27666373). To our knowledge, functional studies have not been reported for this variant. This variant has not been reported in individuals affected with MSH6-related disorders in the literature. This variant has not been identified in the general population by the Genome Aggregation Database (gnomAD). The available evidence is insufficient to determine the role of this variant in disease conclusively. Therefore, this variant is classified as a Variant of Uncertain Significance.

This study involves interpretation of variants in research participants for the purpose of population health screening. Participant phenotype was not available at the time of variant classification. Additional details can be found in publication PMID: 35346344, PMCID: PMC8962531

Labcorp Genetics (formerly Invitae), Labcorp
Classification: Uncertain significance for Hereditary nonpolyposis colorectal neoplasms. Last evaluated: 2021-09-04. Review status: criteria provided, single submitter. Criteria: Invitae Variant Classification Sherloc (09022015). Collection method: clinical testing. Allele origin: germline.
Comment: This sequence change replaces threonine with lysine at codon 1205 of the MSH6 protein (p.Thr1205Lys). The threonine residue is highly conserved and there is a moderate physicochemical difference between threonine and lysine. This variant is not present in population databases (ExAC no frequency). This variant has not been reported in the literature in individuals affected with MSH6-related conditions. ClinVar contains an entry for this variant (Variation ID: 823993). Advanced modeling of protein sequence and biophysical properties (such as structural, functional, and spatial information, amino acid conservation, physicochemical variation, residue mobility, and thermodynamic stability) performed at Invitae indicates that this missense variant is expected to disrupt MSH6 protein function. In summary, the available evidence is currently insufficient to determine the role of this variant in disease. Therefore, it has been classified as a Variant of Uncertain Significance.

NM_000179.3(MSH6):c.3614C>A (p.Thr1205Lys)

Gene: MSH6 (mutS homolog 6; plus strand). Cytogenetic location: 2p16.3.
Variant type: single nucleotide variant.
Coding change: c.3614C>A on transcript NM_000179.3 (MANE Select); coding-DNA position 3614, C replaced by A.
Protein change: p.Thr1205Lys; replaces threonine 1205 with lysine.
Molecular consequence: missense variant.
Genome position (GRCh38, 1-based): chr2:47,805,675, C>A. VCF-style: chr2-47805675-C-A. GRCh37 (hg19) VCF-style: chr2-48032814-C-A.
Other names: c.2708C>A, p.Thr903Lys (NM_001281494.2, NM_001281493.2); c.3224C>A, p.Thr1075Lys (NM_001281492.2); short protein forms T1205K, T1075K, T903K.
Identifiers: ClinVar variation 823993 (VCV000823993.12), dbSNP rs587779275, ClinGen allele CA346760576.